The following is an entry in ClinVar:

NM_152906.7(TANGO2):c.569_592dup (p.Leu197_Asn198insIleAlaSerLeuLeuAspValLeu)

Gene: TANGO2 (transport and golgi organization 2 homolog; plus strand). Cytogenetic location: 22q11.21.
Variant type: Duplication.
Coding change: c.569_592dup on transcript NM_152906.7 (MANE Select); coding-DNA positions 569 to 592, 24 bases duplicated (TCGCCAGCCTCCTGGATGTGCTCA).
Protein change: p.Leu197_Asn198insIleAlaSerLeuLeuAspValLeu.
Molecular consequence: inframe insertion. On other transcripts: non-coding transcript variant (3), intron variant (4).
Genome position (GRCh38, 1-based): chr22:20,061,647-20,061,670, TCGCCAGCCTCCTGGATGTGCTCA duplicated; duplicating any 24 consecutive bases within chr22:20,061,636-20,061,670 gives the same sequence; the c. name uses the placement nearest the transcript's 3' end. VCF-style (leftmost placement, unchanged base first): chr22-20061635-A-AGGATGTGCTCATCGCCAGCCTCCT. GRCh37 (hg19) VCF-style: chr22-20049158-A-AGGATGTGCTCATCGCCAGCCTCCT.
Other names: c.569_592dup, p.Leu197_Asn198insIleAlaSerLeuLeuAspValLeu (NM_001283106.3, NM_001283116.3, NM_001283148.3 and 2 more transcripts); c.692_715dup, p.Leu238_Asn239insIleAlaSerLeuLeuAspValLeu (NM_001283129.3, NM_001322141.2, NM_001322143.2 and 1 more transcripts); c.383_406dup, p.Leu135_Asn136insIleAlaSerLeuLeuAspValLeu (NM_001283179.3, NM_001283186.3, NM_001322163.2 and 3 more transcripts); c.275_298dup, p.Leu99_Asn100insIleAlaSerLeuLeuAspValLeu (NM_001283235.3, NM_001322150.2, NM_001322153.2 and 6 more transcripts); c.506_529dup, p.Leu176_Asn177insIleAlaSerLeuLeuAspValLeu (NM_001322145.2, NM_001322147.2); c.467_490dup, p.Leu163_Asn164insIleAlaSerLeuLeuAspValLeu (NM_001322146.2, NM_001322148.2, NM_001322160.2); c.381-1691_381-1668dup (NM_001283199.3); c.575-2895_575-2872dup (NM_001283215.3); and 2 more.
Identifiers: ClinVar variation 2111344 (VCV002111344.4), dbSNP rs2048401628, ClinGen allele CA2580099132.
Genomic context (GRCh38, chr22:20,061,635, plus strand): 5'-AGCTGTGCTTTGGGAAGCAGCTCTTCCTGGAGGCTGTGGAACGGAGCCAGGCGCTGCCCA[A>AGGATGTGCTCATCGCCAGCCTCCT]GGATGTGCTCATCGCCAGCCTCCTGGATGTGCTCAACAATGAAGAGGCGTGAGTGGGCGG-3'

ClinVar aggregate classification (germline): Uncertain significance (1 of 4 stars; one submission).

Submission:

Labcorp Genetics (formerly Invitae), Labcorp
Classification: Uncertain significance. Last evaluated: 2024-06-03. Review status: criteria provided, single submitter. Criteria: Invitae Variant Classification Sherloc (09022015). Collection method: clinical testing. Allele origin: germline.
Comment: This variant, c.569_592dup, results in the insertion of 8 amino acid(s) of the TANGO2 protein (p.Ile190_Leu197dup), but otherwise preserves the integrity of the reading frame. This variant is not present in population databases (gnomAD no frequency). This variant has not been reported in the literature in individuals affected with TANGO2-related conditions. ClinVar contains an entry for this variant (Variation ID: 2111344). In summary, the available evidence is currently insufficient to determine the role of this variant in disease. Therefore, it has been classified as a Variant of Uncertain Significance.